The following is an entry in ClinVar:

ClinVar aggregate classification (germline): Conflicting classifications of pathogenicity. Review status: criteria provided, conflicting classifications (1 of 4 stars). 2 submissions from 2 submitters: Uncertain significance (1); Likely benign (1). Last evaluated 2025-02-24.

Conditions:
Hereditary cancer-predisposing syndrome. Also called: Hereditary neoplastic syndrome; Neoplastic Syndromes, Hereditary; Hereditary Cancer Syndrome; Tumor predisposition. Identifiers: Orphanet 140162, MedGen C0027672, MeSH D009386, MONDO:0015356.

Submissions (2):

Ambry Genetics
Classification: Likely benign for Hereditary cancer-predisposing syndrome. Last evaluated: 2025-02-24. Review status: criteria provided, single submitter. Criteria: Ambry Variant Classification Scheme 2023. Collection method: clinical testing. Allele origin: germline.

Labcorp Genetics (formerly Invitae), Labcorp
Classification: Uncertain significance. Last evaluated: 2022-08-31. Review status: criteria provided, single submitter. Criteria: Invitae Variant Classification Sherloc (09022015). Collection method: clinical testing. Allele origin: germline.
Comment: This sequence change replaces proline, which is neutral and non-polar, with alanine, which is neutral and non-polar, at codon 135 of the POLE protein (p.Pro135Ala). This variant is not present in population databases (gnomAD no frequency). This variant has not been reported in the literature in individuals affected with POLE-related conditions. Algorithms developed to predict the effect of missense changes on protein structure and function (SIFT, PolyPhen-2, Align-GVGD) all suggest that this variant is likely to be tolerated. In summary, the available evidence is currently insufficient to determine the role of this variant in disease. Therefore, it has been classified as a Variant of Uncertain Significance.

NM_006231.4(POLE):c.403C>G (p.Pro135Ala)

Gene: POLE (DNA polymerase epsilon, catalytic subunit; minus strand). Cytogenetic location: 12q24.33.
Variant type: single nucleotide variant.
Coding change: c.403C>G on transcript NM_006231.4 (MANE Select); coding-DNA position 403, C replaced by G.
Protein change: p.Pro135Ala; replaces proline 135 with alanine.
Molecular consequence: missense variant.
Genome position (GRCh38, 1-based): chr12:132,679,974, G>C on the plus strand (C>G on the coding strand, the complement: POLE is on the minus strand). VCF-style: chr12-132679974-G-C. GRCh37 (hg19) VCF-style: chr12-133256560-G-C.
Other names: c.403C>G (NM_006231.2); short protein forms P135A.
Identifiers: ClinVar variation 1718484 (VCV001718484.6), dbSNP rs1060500817, ClinGen allele CA387368039.